The following is an entry in ClinVar:

NM_198239.2(CCN6):c.923A>G (p.Asn308Ser)

Gene: CCN6 (cellular communication network factor 6; plus strand). Cytogenetic location: 6q21.
Variant type: single nucleotide variant.
Coding change: c.923A>G on transcript NM_198239.2 (MANE Select); coding-DNA position 923, A replaced by G.
Protein change: p.Asn308Ser; replaces asparagine 308 with serine.
Molecular consequence: missense variant. On other transcripts: non-coding transcript variant (2).
Genome position (GRCh38, 1-based): chr6:112,069,478, A>G. VCF-style: chr6-112069478-A-G. GRCh37 (hg19) VCF-style: chr6-112390681-A-G.
Other names: c.923A>G, p.Asn308Ser (NM_003880.4); short protein forms N308S.
Identifiers: ClinVar variation 1680474 (VCV001680474.3), dbSNP rs781911824, ClinGen allele CA365376279.

ClinVar aggregate classification (germline): Uncertain significance (1 of 4 stars; one submission).

Allele frequency attached by ClinVar (database versions not stated): TOPMed 0.00001.
gnomAD v4.1: 2 of 1,613,780 alleles (0.00012%); highest among the groups gnomAD compares: East Asian, 0.0022%; no homozygotes.

Submission:

Labcorp Genetics (formerly Invitae), Labcorp
Classification: Uncertain significance. Last evaluated: 2022-06-13. Review status: criteria provided, single submitter. Criteria: Invitae Variant Classification Sherloc (09022015). Collection method: clinical testing. Allele origin: germline.
Comment: This sequence change replaces asparagine, which is neutral and polar, with serine, which is neutral and polar, at codon 308 of the WISP3 protein (p.Asn308Ser). This variant is not present in population databases (gnomAD no frequency). This variant has not been reported in the literature in individuals affected with WISP3-related conditions. Algorithms developed to predict the effect of missense changes on protein structure and function are either unavailable or do not agree on the potential impact of this missense change (SIFT: "Tolerated"; PolyPhen-2: "Possibly Damaging"; Align-GVGD: "Class C0"). Algorithms developed to predict the effect of sequence changes on RNA splicing suggest that this variant may create or strengthen a splice site. In summary, the available evidence is currently insufficient to determine the role of this variant in disease. Therefore, it has been classified as a Variant of Uncertain Significance.